The following is an entry in ClinVar:

NM_022489.4(INF2):c.389A>T (p.Gln130Leu)

Gene: INF2 (inverted formin 2; plus strand). Cytogenetic location: 14q32.33.
Variant type: single nucleotide variant.
Coding change: c.389A>T on transcript NM_022489.4 (MANE Select); coding-DNA position 389, A replaced by T.
Protein change: p.Gln130Leu; replaces glutamine 130 with leucine.
Molecular consequence: missense variant. On other transcripts: non-coding transcript variant (1).
Genome position (GRCh38, 1-based): chr14:104,701,754, A>T. VCF-style: chr14-104701754-A-T. GRCh37 (hg19) VCF-style: chr14-105168091-A-T.
Other names: c.389A>T, p.Gln130Leu (NM_001031714.4, NM_001426862.1, NM_001426863.1 and 6 more transcripts); short protein forms Q130L.
Identifiers: ClinVar variation 4786829 (VCV004786829.1).

ClinVar aggregate classification (germline): Uncertain significance (1 of 4 stars; one submission).

Conditions:
Focal segmental glomerulosclerosis 5 (FSGS5). Identifiers: Orphanet 656, MedGen C2750475, MONDO:0013191, OMIM 613237.
Charcot-Marie-Tooth disease dominant intermediate E. Also called: CHARCOT-MARIE-TOOTH NEUROPATHY WITH FOCAL SEGMENTAL GLOMERULONEPHRITIS. Identifiers: Orphanet 93114, MedGen C4302667, MONDO:0013758, OMIM 614455.

Submission:

Labcorp Genetics (formerly Invitae), Labcorp
Classification: Uncertain significance for Charcot-Marie-Tooth disease dominant intermediate E; Focal segmental glomerulosclerosis 5. Last evaluated: 2025-11-27. Review status: criteria provided, single submitter. Criteria: Invitae Variant Classification Sherloc (09022015). Collection method: clinical testing. Allele origin: germline.
Comment: This sequence change replaces glutamine, which is neutral and polar, with leucine, which is neutral and non-polar, at codon 130 of the INF2 protein (p.Gln130Leu). This variant is not present in population databases (gnomAD no frequency). This variant has not been reported in the literature in individuals affected with INF2-related conditions. An algorithm developed to predict the effect of missense changes on protein structure and function outputs the following: PolyPhen-2: "Possibly Damaging". The leucine amino acid residue is found in multiple mammalian species, which suggests that this missense change does not adversely affect protein function. In summary, the available evidence is currently insufficient to determine the role of this variant in disease. Therefore, it has been classified as a Variant of Uncertain Significance.